The following is an entry in ClinVar:

NM_001130987.2(DYSF):c.3589G>A (p.Val1197Ile)

Gene: DYSF (dysferlin; plus strand). Cytogenetic location: 2p13.2.
Variant type: single nucleotide variant.
Coding change: c.3589G>A on transcript NM_001130987.2 (MANE Select); coding-DNA position 3589, G replaced by A.
Protein change: p.Val1197Ile; replaces valine 1197 with isoleucine.
Molecular consequence: missense variant.
Genome position (GRCh38, 1-based): chr2:71,598,578, G>A. VCF-style: chr2-71598578-G-A. GRCh37 (hg19) VCF-style: chr2-71825708-G-A.
Other names: c.3538G>A, p.Val1180Ile (NM_001130455.2, NM_001130983.2); c.3493G>A, p.Val1165Ile (NM_001130976.2, NM_001130977.2); c.3535G>A, p.Val1179Ile (NM_001130978.2, NM_003494.4); c.3628G>A, p.Val1210Ile (NM_001130979.2); c.3586G>A, p.Val1196Ile (NM_001130980.2, NM_001130981.2); c.3631G>A, p.Val1211Ile (NM_001130982.2); c.3496G>A, p.Val1166Ile (NM_001130984.2, NM_001130986.2); c.3589G>A, p.Val1197Ile (NM_001130985.2); short protein forms V1180I, V1197I, V1196I, V1165I, V1166I, V1179I, V1211I, V1210I.
Identifiers: ClinVar variation 2195797 (VCV002195797.4), dbSNP rs754075406, ClinGen allele CA1706649.
Genomic context (GRCh38, chr2:71,598,578, plus strand): 5'-GTCCCTGCTGTGTCCTGTCTCCCCTCCCCCTCTCCGGCCCATGCAGATCCCTATGCCATC[G>A]TCTCCTTCCTGCACCAGAGCCAGAAGACGGTGGTGGTGAAGAACACCCTTAACCCCACCT-3'
Protein context (NP_001124459.1, residues 1187-1207): KDSFSDPYAI[Val1197Ile]SFLHQSQKTV

ClinVar aggregate classification (germline): Uncertain significance. Review status: criteria provided, multiple submitters, no conflicts (2 of 4 stars). 2 submissions from 2 submitters: Uncertain significance (2). Last evaluated 2022-07-12.

Conditions:
Neuromuscular disease caused by qualitative or quantitative defects of dysferlin. Also called: Dysferlinopathy; Qualitative or quantitative defects of dysferlin. Identifiers: Orphanet 207073, MedGen C2931687, MONDO:0016145.

Allele frequency attached by ClinVar (database versions not stated): ExAC 0.00002; gnomAD exomes 0.00002; TOPMed 0.00002; gnomAD 0.00003.
gnomAD v4.1: 34 of 1,614,122 alleles (0.0021%); highest among the groups gnomAD compares: Middle Eastern, 0.033%; no homozygotes.

Submissions (2):

Labcorp Genetics (formerly Invitae), Labcorp
Classification: Uncertain significance for Neuromuscular disease caused by qualitative or quantitative defects of dysferlin. Last evaluated: 2022-07-12. Review status: criteria provided, single submitter. Criteria: Invitae Variant Classification Sherloc (09022015). Collection method: clinical testing. Allele origin: germline.
Comment: This sequence change replaces valine, which is neutral and non-polar, with isoleucine, which is neutral and non-polar, at codon 1179 of the DYSF protein (p.Val1179Ile). This variant is present in population databases (rs754075406, gnomAD 0.006%). This variant has not been reported in the literature in individuals affected with DYSF-related conditions. Advanced modeling of protein sequence and biophysical properties (such as structural, functional, and spatial information, amino acid conservation, physicochemical variation, residue mobility, and thermodynamic stability) performed at Invitae indicates that this missense variant is not expected to disrupt DYSF protein function. In summary, the available evidence is currently insufficient to determine the role of this variant in disease. Therefore, it has been classified as a Variant of Uncertain Significance.

Revvity Omics, Revvity
Classification: Uncertain significance. Last evaluated: 2020-12-16. Review status: criteria provided, single submitter. Criteria: ACMG Guidelines, 2015. Collection method: clinical testing. Allele origin: germline.